The following is an entry in ClinVar:

ClinVar aggregate classification (germline): Likely benign (0 of 4 stars; one submission).

Conditions:
WDR81-related disorder. Also called: WDR81-related condition.

Allele frequency attached by ClinVar (database versions not stated): ExAC 0.00001; gnomAD exomes 0.00002; TOPMed 0.00003; gnomAD 0.00004.

Submission:

PreventionGenetics, part of Exact Sciences
Classification: Likely benign for WDR81-related condition. Last evaluated: 2019-03-11. Review status: no assertion criteria provided. Collection method: clinical testing. Allele origin: germline.
Comment: This variant is classified as likely benign based on ACMG/AMP sequence variant interpretation guidelines (Richards et al. 2015 PMID: 25741868, with internal and published modifications).

NM_001163809.2(WDR81):c.4770C>T (p.Gly1590=)

Gene: WDR81 (WD repeat domain 81; plus strand). Cytogenetic location: 17p13.3.
Variant type: single nucleotide variant.
Coding change: c.4770C>T on transcript NM_001163809.2 (MANE Select); coding-DNA position 4770, C replaced by T.
Protein change: p.Gly1590=; no amino-acid change (glycine 1590 retained).
Molecular consequence: synonymous variant.
Genome position (GRCh38, 1-based): chr17:1,733,807, C>T. VCF-style: chr17-1733807-C-T. GRCh37 (hg19) VCF-style: chr17-1637101-C-T.
Other names: c.1161C>T, p.Gly387= (NM_001163673.2); c.1089C>T, p.Gly363= (NM_001163811.2); c.1617C>T, p.Gly539= (NM_152348.4).
Identifiers: ClinVar variation 3034719 (VCV003034719.2), dbSNP rs773970310, ClinGen allele CA8273656.